The following is an entry in ClinVar:

NM_017617.5(NOTCH1):c.3787C>T (p.Arg1263Cys)

Gene: NOTCH1 (notch receptor 1; minus strand). Cytogenetic location: 9q34.3.
Variant type: single nucleotide variant.
Coding change: c.3787C>T on transcript NM_017617.5 (MANE Select); coding-DNA position 3787, C replaced by T.
Protein change: p.Arg1263Cys; replaces arginine 1263 with cysteine.
Molecular consequence: missense variant.
Genome position (GRCh38, 1-based): chr9:136,506,830, G>A on the plus strand (C>T on the coding strand, the complement: NOTCH1 is on the minus strand). VCF-style: chr9-136506830-G-A. GRCh37 (hg19) VCF-style: chr9-139401282-G-A.
Other names: short protein forms R1263C.
Identifiers: ClinVar variation 1345019 (VCV001345019.9), dbSNP rs1415111675, ClinGen allele CA375549318.

ClinVar aggregate classification (germline): Conflicting classifications of pathogenicity. Review status: criteria provided, conflicting classifications (1 of 4 stars). 3 submissions from 3 submitters: Likely pathogenic (1); Uncertain significance (2). Last evaluated 2026-01-26.

Conditions:
Adams-Oliver syndrome 5 (AOS5). Identifiers: Orphanet 974, MedGen C4014970, MONDO:0014459, OMIM 616028.
Aortic valve disease 1 (AOVD1). Identifiers: MedGen C3887892, MONDO:0024523, OMIM 109730.

Allele frequency attached by ClinVar (database versions not stated): gnomAD exomes below 0.00001 and 0.00001; TOPMed below 0.00001; gnomAD 0.00001.
gnomAD v4.1: 9 of 1,611,928 alleles (0.00056%); highest among the groups gnomAD compares: East Asian, 0.0022%; no homozygotes.

Submissions (3):

Medical and Scientific Branch, Hong Kong Genome Institute
Classification: Likely pathogenic for Aortic valve disease 1. Last evaluated: 2026-01-26. Review status: criteria provided, single submitter. Criteria: ACMG Guidelines, 2015. Collection method: clinical testing. Allele origin: paternal. Affected: yes.

Labcorp Genetics (formerly Invitae), Labcorp
Classification: Uncertain significance for Adams-Oliver syndrome 5. Last evaluated: 2025-12-17. Review status: criteria provided, single submitter. Criteria: Invitae Variant Classification Sherloc (09022015). Collection method: clinical testing. Allele origin: germline.
Comment: This sequence change replaces arginine, which is basic and polar, with cysteine, which is neutral and slightly polar, at codon 1263 of the NOTCH1 protein (p.Arg1263Cys). The frequency data for this variant in the population databases is considered unreliable, as metrics indicate poor data quality at this position in the gnomAD database. This missense change has been observed in individual(s) with clinical features of NOTCH1-related conditions (PMID: 26820064, 29447731). ClinVar contains an entry for this variant (Variation ID: 1345019). Invitae Evidence Modeling of protein sequence and biophysical properties (such as structural, functional, and spatial information, amino acid conservation, physicochemical variation, residue mobility, and thermodynamic stability) indicates that this missense variant is not expected to disrupt NOTCH1 protein function with a negative predictive value of 80%. Algorithms developed to predict the effect of sequence changes on RNA splicing suggest that this variant may create or strengthen a splice site. In summary, the available evidence is currently insufficient to determine the role of this variant in disease. Therefore, it has been classified as a Variant of Uncertain Significance.

GeneDx
Classification: Uncertain significance. Last evaluated: 2023-05-11. Review status: criteria provided, single submitter. Criteria: GeneDx Variant Classification Process June 2021. Collection method: clinical testing. Allele origin: germline. Affected: yes.
Comment: Not observed at significant frequency in large population cohorts (gnomAD); Published functional studies suggest that abnormal splicing results in a deletion of 120 base pairs at the 3' site of the exon; however, no experimental data was presented (Kerstjens-Frederikse et al., 2016); This variant is associated with the following publications: (PMID: 26820064, 29447731)

Literature cited by the submitters: PubMed 26820064 (cited by Labcorp Genetics (formerly Invitae), Labcorp); PubMed 29447731 (cited by Labcorp Genetics (formerly Invitae), Labcorp).